The following is an entry in ClinVar:

NM_000070.3(CAPN3):c.1115+2T>A

Gene: CAPN3 (calpain 3; plus strand). Cytogenetic location: 15q15.1.
Variant type: single nucleotide variant.
Coding change: c.1115+2T>A on transcript NM_000070.3 (MANE Select); the canonical splice donor site of the intron after coding-DNA position 1115, T replaced by A.
Molecular consequence: splice donor variant.
Genome position (GRCh38, 1-based): chr15:42,394,343, T>A. VCF-style: chr15-42394343-T-A. GRCh37 (hg19) VCF-style: chr15-42686541-T-A.
Other names: c.1115+2T>A (NM_024344.2); c.971+2T>A (NM_173087.2).
Identifiers: ClinVar variation 536510 (VCV000536510.7), dbSNP rs1057524468, ClinGen allele CA391999103.

ClinVar aggregate classification (germline): Likely pathogenic (1 of 4 stars; one submission).

Conditions:
Autosomal recessive limb-girdle muscular dystrophy type 2A (LGMDR1). Also called: Limb-girdle muscular dystrophy, type 2A; Calpainopathy; Muscular dystrophy, limb-girdle, type 2A, Amish; LEYDEN-MOEBIUS MUSCULAR DYSTROPHY; MUSCULAR DYSTROPHY, PELVOFEMORAL. Identifiers: Orphanet 267, MedGen C1869123, MONDO:0009675, OMIM 253600. Disease mechanism: loss of function.

Submission:

Labcorp Genetics (formerly Invitae), Labcorp
Classification: Likely pathogenic for Autosomal recessive limb-girdle muscular dystrophy type 2A. Last evaluated: 2017-09-06. Review status: criteria provided, single submitter. Criteria: Invitae Variant Classification Sherloc (09022015). Collection method: clinical testing. Allele origin: germline.
Comment: In summary, the currently available evidence indicates that the variant is pathogenic, but additional data are needed to prove that conclusively. Therefore, this variant has been classified as Likely Pathogenic. Donor and acceptor splice site variants typically lead to a loss of protein function (PMID: 16199547), and loss-of-function variants in CAPN3 are known to be pathogenic (PMID: 10330340, 15689361). This sequence change affects a donor splice site in intron 8 of the CAPN3 gene. It is expected to disrupt RNA splicing and likely results in an absent or disrupted protein product. This variant is not present in population databases (ExAC no frequency). This variant has not been reported in the literature in individuals with CAPN3-related disease. Algorithms developed to predict the effect of sequence changes on RNA splicing suggest that this variant may disrupt the consensus splice site, but this prediction has not been confirmed by published transcriptional studies.

Literature cited by the submitters: PubMed 16199547; PubMed 10330340; PubMed 15689361.